The following is an entry in ClinVar:

ClinVar aggregate classification (germline): Uncertain significance (1 of 4 stars; one submission).

Conditions:
Werner syndrome (WRN). Identifiers: Orphanet 902, MedGen C0043119, MONDO:0010196, OMIM 277700.

Allele frequency attached by ClinVar (database versions not stated): gnomAD exomes below 0.00001.
gnomAD v4.1: 1 of 1,614,134 alleles (0.000062%); highest among the groups gnomAD compares: Non-Finnish European, 0.000085%; no homozygotes.

Submission:

Labcorp Genetics (formerly Invitae), Labcorp
Classification: Uncertain significance for Werner syndrome. Last evaluated: 2020-09-07. Review status: criteria provided, single submitter. Criteria: Invitae Variant Classification Sherloc (09022015). Collection method: clinical testing. Allele origin: germline.
Comment: In summary, the available evidence is currently insufficient to determine the role of this variant in disease. Therefore, it has been classified as a Variant of Uncertain Significance. Algorithms developed to predict the effect of missense changes on protein structure and function output the following: SIFT: "Not Available"; PolyPhen-2: "Benign"; Align-GVGD: "Not Available". The asparagine amino acid residue is found in multiple mammalian species, suggesting that this missense change does not adversely affect protein function. These predictions have not been confirmed by published functional studies and their clinical significance is uncertain. This sequence change replaces aspartic acid with asparagine at codon 971 of the WRN protein (p.Asp971Asn). The aspartic acid residue is weakly conserved and there is a small physicochemical difference between aspartic acid and asparagine. This variant is not present in population databases (ExAC no frequency). This variant has not been reported in the literature in individuals with WRN-related conditions.

NM_000553.6(WRN):c.2911G>A (p.Asp971Asn)

Gene: WRN (WRN RecQ like helicase; plus strand). Cytogenetic location: 8p12.
Variant type: single nucleotide variant.
Coding change: c.2911G>A on transcript NM_000553.6 (MANE Select); coding-DNA position 2911, G replaced by A.
Protein change: p.Asp971Asn; replaces aspartic acid 971 with asparagine.
Molecular consequence: missense variant.
Genome position (GRCh38, 1-based): chr8:31,132,450, G>A. VCF-style: chr8-31132450-G-A. GRCh37 (hg19) VCF-style: chr8-30989966-G-A.
Other names: short protein forms D971N.
Identifiers: ClinVar variation 1018174 (VCV001018174.3), dbSNP rs1412215836, ClinGen allele CA370919092.
Genomic context (GRCh38, chr8:31,132,450, plus strand): 5'-GACTCAGAGGATACATCCTGGGACTTTGGTCCACAAGCATTTAAGCTTTTGTCTGCTGTG[G>A]ACATCTTAGGCGAAAAATTTGGAATTGGGCTTCCAATTTTATTTCTCCGAGGATCTGTAA-3'
Protein context (NP_000544.2, residues 961-981): PQAFKLLSAV[Asp971Asn]ILGEKFGIGL